The following is an entry in ClinVar:

ClinVar aggregate classification (germline): Pathogenic (1 of 4 stars; one submission).

Submission:

Labcorp Genetics (formerly Invitae), Labcorp
Classification: Pathogenic. Last evaluated: 2023-12-09. Review status: criteria provided, single submitter. Criteria: Invitae Variant Classification Sherloc (09022015). Collection method: clinical testing. Allele origin: germline.
Comment: This sequence change creates a premature translational stop signal (p.Asn259Lysfs*15) in the ATP6V1B1 gene. It is expected to result in an absent or disrupted protein product. Loss-of-function variants in ATP6V1B1 are known to be pathogenic (PMID: 9916796, 18368028). This variant is not present in population databases (gnomAD no frequency). This variant has not been reported in the literature in individuals affected with ATP6V1B1-related conditions. Algorithms developed to predict the effect of sequence changes on RNA splicing suggest that this variant may disrupt the consensus splice site. For these reasons, this variant has been classified as Pathogenic.

Literature cited by the submitters: PubMed 9916796; PubMed 18368028.

NM_001692.4(ATP6V1B1):c.777del (p.Asn259fs)

Gene: ATP6V1B1 (ATPase H+ transporting V1 subunit B1; plus strand). Cytogenetic location: 2p13.3.
Variant type: Deletion.
Coding change: c.777del on transcript NM_001692.4 (MANE Select); coding-DNA position 777, one base deleted (T; older notation c.777delT).
Protein change: p.Asn259fs; shifts the reading frame from asparagine 259.
Molecular consequence: frameshift variant.
Genome position (GRCh38, 1-based): chr2:70,961,685, T deleted. VCF-style (leftmost placement, unchanged base first): chr2-70961684-AT-A. GRCh37 (hg19) VCF-style: chr2-71188814-AT-A.
Other names: short protein forms N259fs.
Identifiers: ClinVar variation 2782834 (VCV002782834.4), dbSNP rs1680591355, ClinGen allele CA1259812251.